The following is an entry in ClinVar:

ClinVar aggregate classification (germline): Likely benign. Review status: criteria provided, multiple submitters, no conflicts (2 of 4 stars). 5 submissions from 5 submitters: Likely benign (5). Last evaluated 2024-12-10.

Conditions:
Familial thoracic aortic aneurysm and aortic dissection (TAAD). Also called: Thoracic aortic aneurysms and dissections. Identifiers: Orphanet 91387, MedGen C4707243, MONDO:0019625.
Marfan syndrome (MFS). Also called: MARFAN SYNDROME, TYPE I; FBN1-Related Marfan Syndrome; Marfan syndrome type 1; Marfan's syndrome; Marfan syndrome, classic. Identifiers: Orphanet 284963, Orphanet 558, MedGen C0024796, MONDO:0007947, OMIM 154700.

gnomAD v4.1: 2 of 1,614,084 alleles (0.00012%); highest among the groups gnomAD compares: Non-Finnish European, 0.00017%; no homozygotes.

Submissions (5):

Labcorp Genetics (formerly Invitae), Labcorp
Classification: Likely benign for Marfan syndrome; Familial thoracic aortic aneurysm and aortic dissection. Last evaluated: 2024-12-10. Review status: criteria provided, single submitter. Criteria: Invitae Variant Classification Sherloc (09022015). Collection method: clinical testing. Allele origin: germline.

Ambry Genetics
Classification: Likely benign for Familial thoracic aortic aneurysm and aortic dissection. Last evaluated: 2024-04-18. Review status: criteria provided, single submitter. Criteria: Ambry Variant Classification Scheme 2023. Collection method: clinical testing. Allele origin: germline.

All of Us Research Program, National Institutes of Health
Classification: Likely benign for Marfan syndrome. Last evaluated: 2023-11-02. Review status: criteria provided, single submitter. Criteria: ACMG Guidelines, 2015. Collection method: clinical testing. Allele origin: germline. Inheritance: Autosomal dominant inheritance. Observed: 1 variant allele, 1 heterozygote.
Comment: This study involves interpretation of variants in research participants for the purpose of population health screening. Participant phenotype was not available at the time of variant classification. Additional details can be found in publication PMID: 35346344, PMCID: PMC8962531

Color Diagnostics, LLC DBA Color Health
Classification: Likely benign for Familial thoracic aortic aneurysm and aortic dissection. Last evaluated: 2023-10-25. Review status: criteria provided, single submitter. Criteria: ACMG Guidelines, 2015. Collection method: clinical testing. Allele origin: germline.

Women's Health and Genetics/Laboratory Corporation of America, LabCorp
Classification: Likely benign. Last evaluated: 2023-01-30. Review status: criteria provided, single submitter. Criteria: LabCorp Variant Classification Summary - May 2015. Collection method: clinical testing. Allele origin: germline.
Comment: Variant summary: FBN1 c.156G>A alters a conserved nucleotide resulting in a synonymous change. At least one silico tool predicts benign impact on splicing (TrAP). The variant was absent in 251396 control chromosomes (gnomAD). The available data on variant occurrences in the general population are insufficient to allow any conclusion about variant significance. To our knowledge, no occurrence of c.156G>A in individuals affected with Marfan Syndrome and no experimental evidence demonstrating its impact on protein function have been reported. No clinical diagnostic laboratories have submitted clinical-significance assessments for this variant to ClinVar after 2014. However, a different nucleotide change at the same position (c.156G>T) resulting in the same amino acid change (p.Ala52=) was classified as benign by 8 laboratories in ClinVar. Based on the evidence outlined above, the variant was classified as likely benign.

NM_000138.5(FBN1):c.156G>A (p.Ala52=)

Gene: FBN1 (fibrillin 1; minus strand). Cytogenetic location: 15q21.1.
Variant type: single nucleotide variant.
Coding change: c.156G>A on transcript NM_000138.5 (MANE Select); coding-DNA position 156, G replaced by A.
Protein change: p.Ala52=; no amino-acid change (alanine 52 retained).
Molecular consequence: synonymous variant.
Genome position (GRCh38, 1-based): chr15:48,644,614, C>T on the plus strand (G>A on the coding strand, the complement: FBN1 is on the minus strand). VCF-style: chr15-48644614-C-T. GRCh37 (hg19) VCF-style: chr15-48936811-C-T.
Other names: c.156G>A, p.Ala52= (NM_001406716.1, NM_001406717.1, NM_001406718.1).
Identifiers: ClinVar variation 2429131 (VCV002429131.9), dbSNP rs25398, ClinGen allele CA490090710.